The following is an entry in ClinVar:

NM_080680.3(COL11A2):c.512T>C (p.Val171Ala)

Gene: COL11A2 (collagen type XI alpha 2 chain; minus strand). Cytogenetic location: 6p21.32.
Variant type: single nucleotide variant.
Coding change: c.512T>C on transcript NM_080680.3 (MANE Select); coding-DNA position 512, T replaced by C.
Protein change: p.Val171Ala; replaces valine 171 with alanine.
Molecular consequence: missense variant. On other transcripts: 5 prime UTR variant (3), non-coding transcript variant (1).
Genome position (GRCh38, 1-based): chr6:33,188,456, A>G on the plus strand (T>C on the coding strand, the complement: COL11A2 is on the minus strand). VCF-style: chr6-33188456-A-G. GRCh37 (hg19) VCF-style: chr6-33156233-A-G.
Other names: c.512T>C, p.Val171Ala (NM_001163771.2, NM_001424108.1, NM_080679.3 and 1 more transcripts); c.-335T>C (NM_001424109.1, NM_001424110.1, NM_001424111.1); short protein forms V171A.
Identifiers: ClinVar variation 4780957 (VCV004780957.2).

ClinVar aggregate classification (germline): Uncertain significance. Review status: criteria provided, multiple submitters, no conflicts (2 of 4 stars). 2 submissions from 2 submitters: Uncertain significance (2). Last evaluated 2025-01-28.

gnomAD v4.1: 1 of 1,612,758 alleles (0.000062%); highest among the groups gnomAD compares: African/African-American, 0.0013%; no homozygotes.

Submissions (2):

Labcorp Genetics (formerly Invitae), Labcorp
Classification: Uncertain significance. Last evaluated: 2025-01-28. Review status: criteria provided, single submitter. Criteria: Invitae Variant Classification Sherloc (09022015). Collection method: clinical testing. Allele origin: germline.
Comment: This sequence change replaces valine, which is neutral and non-polar, with alanine, which is neutral and non-polar, at codon 171 of the COL11A2 protein (p.Val171Ala). This variant is not present in population databases (gnomAD no frequency). This variant has not been reported in the literature in individuals affected with COL11A2-related conditions. Invitae Evidence Modeling of protein sequence and biophysical properties (such as structural, functional, and spatial information, amino acid conservation, physicochemical variation, residue mobility, and thermodynamic stability) indicates that this missense variant is not expected to disrupt COL11A2 protein function with a negative predictive value of 95%. In summary, the available evidence is currently insufficient to determine the role of this variant in disease. Therefore, it has been classified as a Variant of Uncertain Significance.

Blueprint Genetics
Classification: Uncertain significance. Last evaluated: 2017-09-06. Review status: criteria provided, single submitter. Criteria: ACMG Guidelines, 2015. Collection method: clinical testing. Allele origin: germline.